The following is an entry in ClinVar:

ClinVar aggregate classification (germline): Conflicting classifications of pathogenicity. Review status: criteria provided, conflicting classifications (1 of 4 stars). 9 submissions from 8 submitters: Uncertain significance (3); Likely benign (4). 2 of the submissions do not count toward it. Last evaluated 2026-01-19.

Conditions:
Walker-Warburg congenital muscular dystrophy. Also called: Muscular dystrophy-dystroglycanopathy, type A; Walker-Warburg syndrome. Identifiers: Orphanet 899, MedGen C0265221, MONDO:0000171.
Muscular dystrophy-dystroglycanopathy (congenital with brain and eye anomalies), type A, 4 (MDDGA4). Also called: Fukuyama congenital muscular dystrophy; Muscular dystrophy, congenital progressive, with mental retardation; Muscular dystrophy, congenital, with central nervous system involvement; Cerebromuscular dystrophy, Fukuyama type; Walker-Warburg Syndrome, Fktn-Related; Congenital muscular dystrophy-dystroglycanopathy with brain and eye anomalies, type A4. Identifiers: Orphanet 272, Orphanet 588, Orphanet 899, MedGen C0410174, MONDO:0009678, OMIM 253800.
FKTN-related disorder. Also called: FKTN-related disorders; FKTN-related condition.
Cardiovascular phenotype. Identifiers: MedGen CN230736.
Dilated cardiomyopathy 1X (CMD1X). Also called: FKTN-Related Dilated Cardiomyopathy; CARDIOMYOPATHY, DILATED, WITH MILD OR NO PROXIMAL MUSCLE WEAKNESS. Identifiers: Orphanet 154, MedGen C1969024, MONDO:0012704, OMIM 611615.

Allele frequency attached by ClinVar (database versions not stated): TOPMed 0.00003.
gnomAD v4.1: 119 of 1,611,730 alleles (0.0074%); highest among the groups gnomAD compares: Non-Finnish European, 0.0097%; no homozygotes.

Submissions (9):

Labcorp Genetics (formerly Invitae), Labcorp
Classification: Likely benign for Walker-Warburg congenital muscular dystrophy. Last evaluated: 2026-01-19. Review status: criteria provided, single submitter. Criteria: Invitae Variant Classification Sherloc (09022015). Collection method: clinical testing. Allele origin: germline.

Blueprint Genetics
Classification: Likely benign. Last evaluated: 2024-10-14. Review status: criteria provided, single submitter. Criteria: ACMG Guidelines, 2015. Collection method: clinical testing. Allele origin: germline.

Ambry Genetics
Classification: Likely benign for Cardiovascular phenotype. Last evaluated: 2019-05-20. Review status: criteria provided, single submitter. Criteria: Ambry Variant Classification Scheme 2023. Collection method: clinical testing. Allele origin: germline.

Eurofins Ntd Llc (ga)
Classification: Uncertain significance. Last evaluated: 2018-06-05. Review status: criteria provided, single submitter. Criteria: EGL ClinVar v180209 classification definitions. Collection method: clinical testing. Allele origin: germline. Observed: 2 variant alleles, 2 heterozygotes.

Illumina Laboratory Services, Illumina
Classification: Uncertain significance for Muscular dystrophy-dystroglycanopathy (congenital with brain and eye anomalies), type A, 4. Last evaluated: 2018-01-13. Review status: criteria provided, single submitter. Criteria: ICSL Variant Classification Criteria 13 December 2019. Collection method: clinical testing. Allele origin: germline.

Illumina Laboratory Services, Illumina
Classification: Uncertain significance for Dilated cardiomyopathy 1X. Last evaluated: 2018-01-13. Review status: criteria provided, single submitter. Criteria: ICSL Variant Classification Criteria 13 December 2019. Collection method: clinical testing. Allele origin: germline.

GeneDx
Classification: Likely benign. Last evaluated: 2016-11-01. Review status: criteria provided, single submitter. Criteria: GeneDx Variant Classification (06012015). Collection method: clinical testing. Allele origin: germline. Affected: yes.
Comment: This variant is considered likely benign or benign based on one or more of the following criteria: it is a conservative change, it occurs at a poorly conserved position in the protein, it is predicted to be benign by multiple in silico algorithms, and/or has population frequency not consistent with disease.

PreventionGenetics, part of Exact Sciences
Classification: Likely benign for FKTN-related condition. Last evaluated: 2022-09-01. Review status: no assertion criteria provided. Collection method: clinical testing. Allele origin: germline. Not counted in ClinVar's aggregate classification.
Comment: This variant is classified as likely benign based on ACMG/AMP sequence variant interpretation guidelines (Richards et al. 2015 PMID: 25741868, with internal and published modifications).

Natera, Inc.
Classification: Likely benign for Walker-Warburg congenital muscular dystrophy. Last evaluated: 2020-02-05. Review status: no assertion criteria provided. Collection method: clinical testing. Allele origin: germline. Not counted in ClinVar's aggregate classification.

NM_001079802.2(FKTN):c.766C>A (p.Arg256=)

Gene: FKTN (fukutin; plus strand). Cytogenetic location: 9q31.2.
Variant type: single nucleotide variant.
Coding change: c.766C>A on transcript NM_001079802.2 (MANE Select); coding-DNA position 766, C replaced by A.
Protein change: p.Arg256=; no amino-acid change (arginine 256 retained).
Molecular consequence: synonymous variant. On other transcripts: non-coding transcript variant (2).
Genome position (GRCh38, 1-based): chr9:105,607,937, C>A. VCF-style: chr9-105607937-C-A. GRCh37 (hg19) VCF-style: chr9-108370218-C-A.
Other names: c.766C>A, p.Arg256= (NM_001198963.2, NM_001351496.2, NM_001351498.2 and 1 more transcripts); c.697C>A, p.Arg233= (NM_001351497.2); c.370C>A, p.Arg124= (NM_001351499.2, NM_001351500.2, NM_001351501.2 and 1 more transcripts).
Identifiers: ClinVar variation 390531 (VCV000390531.28), dbSNP rs377417974, ClinGen allele CA5170478.